The following is an entry in ClinVar:

NM_001348255.2(SMIM10L2B):c.222A>G (p.Gln74=)

Gene: SMIM10L2B (small integral membrane protein 10 like 2B; minus strand). Cytogenetic location: Xq26.3.
Variant type: single nucleotide variant.
Coding change: c.222A>G on transcript NM_001348255.2 (MANE Select); coding-DNA position 222, A replaced by G.
Protein change: p.Gln74=; no amino-acid change (glutamine 74 retained).
Molecular consequence: synonymous variant.
Genome position (GRCh38, 1-based): chrX:135,098,412, T>C on the plus strand (A>G on the coding strand, the complement: SMIM10L2B is on the minus strand). VCF-style: chrX-135098412-T-C. GRCh37 (hg19) VCF-style: chrX-134232442-T-C.
Identifiers: ClinVar variation 2661484 (VCV002661484.24), dbSNP rs782529285, ClinGen allele CA336080600.

ClinVar aggregate classification (germline): Likely benign (1 of 4 stars; one submission).

Allele frequency attached by ClinVar (database versions not stated): 1000 Genomes Project 0.00026; 1000 Genomes Project 30x 0.00083; gnomAD 0.00106; gnomAD exomes 0.00109; TOPMed 0.00124.
gnomAD v4.1: 798 of 718,628 alleles (0.11%); highest among the groups gnomAD compares: Middle Eastern, 0.3%; 7 homozygotes.

Submission:

CeGaT Center for Human Genetics Tuebingen
Classification: Likely benign. Last evaluated: 2022-11-01. Review status: criteria provided, single submitter. Criteria: CeGaT Center For Human Genetics Tuebingen Variant Classification Criteria Version 2. Collection method: clinical testing. Allele origin: germline. Affected: yes. Observed: 2 variant alleles.
Comment: SMIM10L2B: PP3, BS2